The following is an entry in ClinVar:

NM_005850.5(SF3B4):c.914-4A>G

Gene: SF3B4 (splicing factor 3b subunit 4; minus strand). Cytogenetic location: 1q21.2.
Variant type: single nucleotide variant.
Coding change: c.914-4A>G on transcript NM_005850.5 (MANE Select); 4 bases into the intron before coding-DNA position 914, A replaced by G.
Molecular consequence: intron variant.
Genome position (GRCh38, 1-based): chr1:149,924,018, T>C on the plus strand (A>G on the coding strand, the complement: SF3B4 is on the minus strand). VCF-style: chr1-149924018-T-C. GRCh37 (hg19) VCF-style: chr1-149895910-T-C.
Identifiers: ClinVar variation 780776 (VCV000780776.12), dbSNP rs374238766, ClinGen allele CA1071410.

ClinVar aggregate classification (germline): Benign/Likely benign. Review status: criteria provided, multiple submitters, no conflicts (2 of 4 stars). 3 submissions from 3 submitters: Benign (1); Likely benign (1). 1 of the submissions does not count toward it. Last evaluated 2026-05-12.

Conditions:
SF3B4-related disorder. Also called: SF3B4-related condition.

Allele frequency attached by ClinVar (database versions not stated): gnomAD exomes 0.00049 and 0.00025; 1000 Genomes Project 0.00280; gnomAD 0.00301 and 0.00334; TOPMed 0.00360; 1000 Genomes Project 30x 0.00328; ESP Exome Variant Server 0.00356; ExAC 0.00142.
gnomAD v4.1: 814 of 1,529,266 alleles (0.053%); highest among the groups gnomAD compares: African/African-American, 1.1%; 9 homozygotes.

Submissions (3):

Women's Health and Genetics/Laboratory Corporation of America, LabCorp
Classification: Likely benign. Last evaluated: 2026-05-12. Review status: criteria provided, single submitter. Criteria: LabCorp Variant Classification Summary - May 2015. Collection method: clinical testing. Allele origin: germline.

Labcorp Genetics (formerly Invitae), Labcorp
Classification: Benign. Last evaluated: 2026-02-01. Review status: criteria provided, single submitter. Criteria: Invitae Variant Classification Sherloc (09022015). Collection method: clinical testing. Allele origin: germline.

PreventionGenetics, part of Exact Sciences
Classification: Benign for SF3B4-related condition. Last evaluated: 2020-01-15. Review status: no assertion criteria provided. Collection method: clinical testing. Allele origin: germline. Not counted in ClinVar's aggregate classification.
Comment: This variant is classified as benign based on ACMG/AMP sequence variant interpretation guidelines (Richards et al. 2015 PMID: 25741868, with internal and published modifications).